The following is an entry in ClinVar:

ClinVar aggregate classification (germline): Uncertain significance (1 of 4 stars; one submission).

Conditions:
Brugada syndrome 5 (BRGDA5). Identifiers: Orphanet 130, Orphanet 871, MedGen C2748541, MONDO:0013015, OMIM 612838.

Submission:

Labcorp Genetics (formerly Invitae), Labcorp
Classification: Uncertain significance for Brugada syndrome 5. Last evaluated: 2023-03-04. Review status: criteria provided, single submitter. Criteria: Invitae Variant Classification Sherloc (09022015). Collection method: clinical testing. Allele origin: germline.
Comment: In summary, the available evidence is currently insufficient to determine the role of this variant in disease. Therefore, it has been classified as a Variant of Uncertain Significance. Experimental studies and prediction algorithms are not available or were not evaluated, and the functional significance of this variant is currently unknown. This variant has not been reported in the literature in individuals affected with SCN1B-related conditions. This variant is not present in population databases (gnomAD no frequency). This sequence change falls in intron 4 of the SCN1B gene. It does not directly change the encoded amino acid sequence of the SCN1B protein. The SCN1B gene has multiple clinically relevant transcripts. This variant occurs in alternate transcript NM_001037.4, and corresponds to NM_199037.3:c.*5532dup in the primary transcript.

NM_001037.5(SCN1B):c.591-5dup

Gene: SCN1B (sodium voltage-gated channel beta subunit 1; plus strand). Cytogenetic location: 19q13.11.
Variant type: Duplication.
Coding change: c.591-5dup on transcript NM_001037.5 (MANE Select); 5 bases into the intron before coding-DNA position 591, one base duplicated (C; older notation c.591-5dupC).
Molecular consequence: intron variant.
Genome position (GRCh38, 1-based): chr19:35,039,630, C duplicated; the last of 5 consecutive C bases (chr19:35,039,626-35,039,630); duplicating any one gives the same sequence. VCF-style (leftmost placement, unchanged base first): chr19-35039625-T-TC. GRCh37 (hg19) VCF-style: chr19-35530529-T-TC.
Other names: c.492-5dup (NM_001321605.2).
Identifiers: ClinVar variation 2739391 (VCV002739391.3), dbSNP rs1218360584, ClinGen allele CA2576751037.